The following is an entry in ClinVar:

ClinVar aggregate classification (germline): Uncertain significance (1 of 4 stars; one submission).

Allele frequency attached by ClinVar (database versions not stated): gnomAD 0.00001.
gnomAD v4.1: 11 of 1,614,016 alleles (0.00068%); highest among the groups gnomAD compares: South Asian, 0.0044%; no homozygotes.

Submission:

Labcorp Genetics (formerly Invitae), Labcorp
Classification: Uncertain significance. Last evaluated: 2021-08-28. Review status: criteria provided, single submitter. Criteria: Invitae Variant Classification Sherloc (09022015). Collection method: clinical testing. Allele origin: germline.
Comment: This sequence change creates a premature translational stop signal (p.Arg1015*) in the EGF gene. It is expected to result in an absent or disrupted protein product. However, the current clinical and genetic evidence is not sufficient to establish whether loss-of-function variants in EGF cause disease. This variant is present in population databases (rs764618186, ExAC 0.006%). This variant has not been reported in the literature in individuals affected with EGF-related conditions. In summary, the available evidence is currently insufficient to determine the role of this variant in disease. Therefore, it has been classified as a Variant of Uncertain Significance.

NM_001963.6(EGF):c.3043C>T (p.Arg1015Ter)

Gene: EGF (epidermal growth factor; plus strand). Cytogenetic location: 4q25.
Variant type: single nucleotide variant.
Coding change: c.3043C>T on transcript NM_001963.6 (MANE Select); coding-DNA position 3043, C replaced by T.
Protein change: p.Arg1015Ter; replaces arginine 1015 with a stop codon.
Molecular consequence: nonsense.
Genome position (GRCh38, 1-based): chr4:109,999,716, C>T. VCF-style: chr4-109999716-C-T. GRCh37 (hg19) VCF-style: chr4-110920872-C-T.
Other names: c.2920C>T, p.Arg974Ter (NM_001178130.3); c.2917C>T, p.Arg973Ter (NM_001178131.3); c.2674C>T, p.Arg892Ter (NM_001357021.2); short protein forms R974*, R892*, R1015*, R973*.
Identifiers: ClinVar variation 1388340 (VCV001388340.6), dbSNP rs764618186, ClinGen allele CA3044158.